The following is an entry in ClinVar:

NM_001010892.3(RSPH4A):c.1952_1964del (p.Lys651fs)

Gene: RSPH4A (radial spoke head component 4A; plus strand). Cytogenetic location: 6q22.1.
Variant type: Deletion.
Coding change: c.1952_1964del on transcript NM_001010892.3 (MANE Select); coding-DNA positions 1952 to 1964, 13 bases deleted (AGTATAGTCCAGA).
Protein change: p.Lys651fs; shifts the reading frame from lysine 651.
Molecular consequence: frameshift variant. On other transcripts: 3 prime UTR variant (1).
Genome position (GRCh38, 1-based): chr6:116,632,242-116,632,254, AGTATAGTCCAGA deleted; deleting any 13 consecutive bases within chr6:116,632,241-116,632,254 gives the same sequence; the c. name uses the placement nearest the transcript's 3' end. VCF-style (leftmost placement, unchanged base first): chr6-116632240-TAAGTATAGTCCAG-T. GRCh37 (hg19) VCF-style: chr6-116953403-TAAGTATAGTCCAG-T.
Other names: c.*13_*25del (NM_001161664.2); short protein forms K651fs.
Identifiers: ClinVar variation 5002047 (VCV005002047.1).

ClinVar aggregate classification (germline): Likely pathogenic (1 of 4 stars; one submission).

Conditions:
RSPH4A-related disorder. Also called: RSPH4A-related condition.

Submission:

PreventionGenetics, part of Exact Sciences
Classification: Likely pathogenic for RSPH4A-related condition. Last evaluated: 2026-04-10. Review status: criteria provided, single submitter. Criteria: ACMG Guidelines, 2015. Collection method: clinical testing. Allele origin: germline.
Comment: The RSPH4A c.1952_1964del13 variant is predicted to result in a frameshift and premature protein termination (p.Lys651Thrfs*84). To our knowledge, this variant has not been reported in the literature or in a large population database (gnomAD), indicating this variant is rare. Frameshift variants in RSPH4A are expected to be pathogenic. This variant is interpreted as likely pathogenic.